The following is an entry in ClinVar:

ClinVar aggregate classification (germline): Pathogenic (1 of 4 stars; one submission).

Conditions:
X-linked Alport syndrome (ATS1). Also called: COL4A5-Related Nephropathy; NEPHROPATHY AND DEAFNESS, X-LINKED. Identifiers: Orphanet 63, Orphanet 88917, MedGen C4746986, MONDO:0010520, OMIM 301050.

Submission:

MVZ Medizinische Genetik Mainz
Classification: Pathogenic for X-linked Alport syndrome. Last evaluated: 2022-01-26. Review status: criteria provided, single submitter. Criteria: UK Practice Guidelines For Variant Classification V4 01 2020. Collection method: clinical testing. Allele origin: germline. Inheritance: X-linked dominant inheritance. Affected: yes. Observed: 1 variant allele.
Comment: ACMG Criteria: PVS1, PM2_SUP, PP4

NM_033380.3(COL4A5):c.3498del (p.Gly1167fs)

Gene: COL4A5 (collagen type IV alpha 5 chain; plus strand). Cytogenetic location: Xq22.3.
Variant type: Deletion.
Coding change: c.3498del on transcript NM_033380.3 (MANE Select); coding-DNA position 3498, one base deleted (A; older notation c.3498delA).
Protein change: p.Gly1167fs; shifts the reading frame from glycine 1167.
Molecular consequence: frameshift variant.
Genome position (GRCh38, 1-based): chrX:108,666,539, A deleted; the last of 5 consecutive A bases (chrX:108,666,535-108,666,539); deleting any one gives the same sequence. VCF-style (leftmost placement, unchanged base first): chrX-108666534-GA-G. GRCh37 (hg19) VCF-style: chrX-107909764-GA-G.
Other names: c.3498del, p.Gly1167fs (NM_000495.5); short protein forms G1167fs.
Identifiers: ClinVar variation 3066345 (VCV003066345.1), dbSNP rs2524567007, ClinGen allele CA643636642.